The following is an entry in ClinVar:

NM_001042492.3(NF1):c.8380A>G (p.Ile2794Val)

Gene: NF1 (neurofibromin 1; plus strand). Cytogenetic location: 17q11.2.
Variant type: single nucleotide variant.
Coding change: c.8380A>G on transcript NM_001042492.3 (MANE Select); coding-DNA position 8380, A replaced by G.
Protein change: p.Ile2794Val; replaces isoleucine 2794 with valine.
Molecular consequence: missense variant.
Genome position (GRCh38, 1-based): chr17:31,374,015, A>G. VCF-style: chr17-31374015-A-G. GRCh37 (hg19) VCF-style: chr17-29701033-A-G.
Other names: c.8317A>G, p.Ile2773Val (NM_000267.4); short protein forms I2794V, I2773V.
Identifiers: ClinVar variation 1403632 (VCV001403632.7), dbSNP rs2151601231, ClinGen allele CA399205848.

ClinVar aggregate classification (germline): Uncertain significance. Review status: criteria provided, multiple submitters, no conflicts (2 of 4 stars). 2 submissions from 2 submitters: Uncertain significance (2). Last evaluated 2024-09-19.

Conditions:
Neurofibromatosis, type 1 (NF1). Also called: NEUROFIBROMATOSIS, TYPE I, SOMATIC; Peripheral type neurofibromatosis; Neurofibromatosis, type I; VON RECKLINGHAUSEN DISEASE. Identifiers: Orphanet 636, MedGen C0027831, MONDO:0018975, OMIM 162200. Disease mechanism: loss of function.

Submissions (2):

GeneDx
Classification: Uncertain significance. Last evaluated: 2024-09-19. Review status: criteria provided, single submitter. Criteria: GeneDx Variant Classification Process June 2021. Collection method: clinical testing. Allele origin: germline. Affected: yes.
Comment: Not observed at significant frequency in large population cohorts (gnomAD); In silico analysis indicates that this missense variant does not alter protein structure/function; Has not been previously published as pathogenic or benign to our knowledge; This variant is associated with the following publications: (PMID: 25486365)

Labcorp Genetics (formerly Invitae), Labcorp
Classification: Uncertain significance for Neurofibromatosis, type 1. Last evaluated: 2022-07-26. Review status: criteria provided, single submitter. Criteria: Invitae Variant Classification Sherloc (09022015). Collection method: clinical testing. Allele origin: germline.
Comment: This sequence change replaces isoleucine, which is neutral and non-polar, with valine, which is neutral and non-polar, at codon 2773 of the NF1 protein (p.Ile2773Val). In summary, the available evidence is currently insufficient to determine the role of this variant in disease. Therefore, it has been classified as a Variant of Uncertain Significance. Algorithms developed to predict the effect of missense changes on protein structure and function (SIFT, PolyPhen-2, Align-GVGD) all suggest that this variant is likely to be tolerated. ClinVar contains an entry for this variant (Variation ID: 1403632). This variant has not been reported in the literature in individuals affected with NF1-related conditions. This variant is not present in population databases (gnomAD no frequency).